The following is an entry in ClinVar:

NM_000136.3(FANCC):c.401T>G (p.Phe134Cys)

Gene: FANCC (FA complementation group C; minus strand). Cytogenetic location: 9q22.32.
Variant type: single nucleotide variant.
Coding change: c.401T>G on transcript NM_000136.3 (MANE Select); coding-DNA position 401, T replaced by G.
Protein change: p.Phe134Cys; replaces phenylalanine 134 with cysteine.
Molecular consequence: missense variant.
Genome position (GRCh38, 1-based): chr9:95,172,092, A>C on the plus strand (T>G on the coding strand, the complement: FANCC is on the minus strand). VCF-style: chr9-95172092-A-C. GRCh37 (hg19) VCF-style: chr9-97934374-A-C.
Other names: c.401T>G, p.Phe134Cys (NM_001243743.2, NM_001243744.2); short protein forms F134C.
Identifiers: ClinVar variation 4870953 (VCV004870953.1).

ClinVar aggregate classification (germline): Uncertain significance (1 of 4 stars; one submission).

Conditions:
Hereditary cancer-predisposing syndrome. Also called: Neoplastic Syndromes, Hereditary; Hereditary Cancer Syndrome; Hereditary neoplastic syndrome; Tumor predisposition. Identifiers: Orphanet 140162, MedGen C0027672, MeSH D009386, MONDO:0015356.

Submission:

Ambry Genetics
Classification: Uncertain significance for Hereditary cancer-predisposing syndrome. Last evaluated: 2026-04-28. Review status: criteria provided, single submitter. Criteria: Ambry Variant Classification Scheme 2023. Collection method: clinical testing. Allele origin: germline.
Comment: The p.F134C variant (also known as c.401T>G), located in coding exon 4 of the FANCC gene, results from a T to G substitution at nucleotide position 401. The phenylalanine at codon 134 is replaced by cysteine, an amino acid with highly dissimilar properties. This amino acid position is conserved. In addition, the in silico prediction for this alteration is inconclusive. Based on the available evidence, the clinical significance of this variant remains unclear.